The following is an entry in ClinVar:

ClinVar aggregate classification (germline): Uncertain significance (1 of 4 stars; one submission).

Submission:

Labcorp Genetics (formerly Invitae), Labcorp
Classification: Uncertain significance. Last evaluated: 2024-06-12. Review status: criteria provided, single submitter. Criteria: Invitae Variant Classification Sherloc (09022015). Collection method: clinical testing. Allele origin: germline.
Comment: This sequence change replaces arginine, which is basic and polar, with isoleucine, which is neutral and non-polar, at codon 890 of the MSH3 protein (p.Arg890Ile). This variant is not present in population databases (gnomAD no frequency). This variant has not been reported in the literature in individuals affected with MSH3-related conditions. An algorithm developed to predict the effect of missense changes on protein structure and function (PolyPhen-2) suggests that this variant is likely to be disruptive. In summary, the available evidence is currently insufficient to determine the role of this variant in disease. Therefore, it has been classified as a Variant of Uncertain Significance.

NM_002439.5(MSH3):c.2669G>T (p.Arg890Ile)

Gene: MSH3 (mutS homolog 3; plus strand). Cytogenetic location: 5q14.1.
Variant type: single nucleotide variant.
Coding change: c.2669G>T on transcript NM_002439.5 (MANE Select); coding-DNA position 2669, G replaced by T.
Protein change: p.Arg890Ile; replaces arginine 890 with isoleucine.
Molecular consequence: missense variant.
Genome position (GRCh38, 1-based): chr5:80,813,597, G>T. VCF-style: chr5-80813597-G-T. GRCh37 (hg19) VCF-style: chr5-80109416-G-T.
Other names: short protein forms R890I.
Identifiers: ClinVar variation 3705043 (VCV003705043.2).